The following is an entry in ClinVar:

ClinVar aggregate classification (germline): Conflicting classifications of pathogenicity. Review status: criteria provided, conflicting classifications (1 of 4 stars). 5 submissions from 5 submitters: Pathogenic (1); Likely pathogenic (3); Uncertain significance (1). Last evaluated 2025-12-10.

Conditions:
Hereditary cancer-predisposing syndrome. Also called: Neoplastic Syndromes, Hereditary; Hereditary Cancer Syndrome; Tumor predisposition; Hereditary neoplastic syndrome. Identifiers: Orphanet 140162, MedGen C0027672, MeSH D009386, MONDO:0015356.
Familial cancer of breast. Also called: BREAST CANCER, FAMILIAL; hereditary breast carcinoma; Hereditary breast cancer. Identifiers: Orphanet 227535, MedGen C0346153, MONDO:0016419, OMIM 114480. Disease mechanism: loss of function.
Ataxia-telangiectasia syndrome (AT). Also called: Ataxia-telangiectasia, complementation group D; AT, COMPLEMENTATION GROUP C; Ataxia-telangiectasia; ATAXIA-TELANGIECTASIA, COMPLEMENTATION GROUP A; ATAXIA-TELANGIECTASIA, FRESNO VARIANT; Ataxia-telangiectasia, complementation group E. Identifiers: Orphanet 100, MedGen C0004135, MONDO:0008840, OMIM 208900.

Allele frequency attached by ClinVar (database versions not stated): ExAC 0.00001; gnomAD exomes 0.00001 and below 0.00001.
gnomAD v4.1: 7 of 1,613,638 alleles (0.00043%); highest among the groups gnomAD compares: Non-Finnish European, 0.00051%; no homozygotes.

Submissions (5):

Labcorp Genetics (formerly Invitae), Labcorp
Classification: Pathogenic for Ataxia-telangiectasia syndrome. Last evaluated: 2025-12-10. Review status: criteria provided, single submitter. Criteria: Invitae Variant Classification Sherloc (09022015). Collection method: clinical testing. Allele origin: germline.
Comment: This sequence change replaces methionine, which is neutral and non-polar, with arginine, which is basic and polar, at codon 2520 of the ATM protein (p.Met2520Arg). RNA analysis indicates that this missense change induces altered splicing and may result in an absent or altered protein product. This variant is present in population databases (rs587782692, gnomAD 0.0009%). This variant has not been reported in the literature in individuals affected with ATM-related conditions. ClinVar contains an entry for this variant (Variation ID: 142749). Invitae Evidence Modeling of protein sequence and biophysical properties (such as structural, functional, and spatial information, amino acid conservation, physicochemical variation, residue mobility, and thermodynamic stability) indicates that this missense variant is expected to disrupt ATM protein function with a positive predictive value of 95%. Studies have shown that this missense change results in activation of a cryptic splice site, and produces a non-functional protein and/or introduces a premature termination codon (internal data). For these reasons, this variant has been classified as Pathogenic.

Ambry Genetics
Classification: Likely pathogenic for Hereditary cancer-predisposing syndrome. Last evaluated: 2025-02-19. Review status: criteria provided, single submitter. Criteria: Ambry Variant Classification Scheme 2023. Collection method: clinical testing. Allele origin: germline.
Comment: The c.7559T>G variant (also known as p.M2520R), located in coding exon 50 of the ATM gene, results from a T to G substitution at nucleotide position 7559. The methionine at codon 2520 is replaced by arginine, an amino acid with similar properties. This nucleotide position is highly conserved in available vertebrate species. In silico splice site analysis predicts that this alteration will weaken the native splice acceptor site and will result in the creation or strengthening of a novel splice acceptor site. RNA studies have demonstrated that this alteration results in abnormal splicing in the set of samples tested (Ambry internal data). This variant is considered to be rare based on population cohorts in the Genome Aggregation Database (gnomAD). Based on the majority of available evidence to date, this variant is likely to be pathogenic.

Color Diagnostics, LLC DBA Color Health
Classification: Uncertain significance for Hereditary cancer-predisposing syndrome. Last evaluated: 2025-01-13. Review status: criteria provided, single submitter. Criteria: ACMG Guidelines, 2015. Collection method: clinical testing. Allele origin: germline.
Comment: This missense variant replaces methionine with arginine at codon 2520 of the ATM protein. Splice site prediction tools suggest that this variant may impact RNA splicing by creating a new splice acceptor site at position c.7560. This variant has been reported to impact RNA splicing by an external laboratory, however, detailed data are not available for review (communication with an external laboratories; ClinVar SCV000187194.7, SCV000748736.6). Computational prediction suggests that this variant may have deleterious impact on protein structure and function (internally defined REVEL score threshold >= 0.7, PMID: 27666373). To our knowledge, this variant has not been reported in individuals affected with hereditary cancer in the literature. This variant has been identified in 2/251280 chromosomes in the general population by the Genome Aggregation Database (gnomAD). The available evidence is insufficient to determine the role of this variant in disease conclusively. Therefore, this variant is classified as a Variant of Uncertain Significance.

Myriad Genetics, Inc.
Classification: Likely pathogenic for Familial cancer of breast. Last evaluated: 2024-06-05. Review status: criteria provided, single submitter. Criteria: Myriad Autosomal Dominant, Autosomal Recessive and X-Linked Classification Criteria (2023). Collection method: clinical testing. Allele origin: unknown.
Comment: This variant is considered likely pathogenic. mRNA analysis has demonstrated abnormal mRNA splicing occurs [Myriad internal data].

GeneDx
Classification: Likely pathogenic. Last evaluated: 2023-02-24. Review status: criteria provided, single submitter. Criteria: GeneDx Variant Classification Process June 2021. Collection method: clinical testing. Allele origin: germline. Affected: yes.
Comment: Exonic splice variant demonstrated to cause aberrant splicing, resulting in a null allele in the majority of transcripts in a gene for which loss-of-function is a known mechanism of disease (External communication with Ambry Genetics and Invitae); Not observed at significant frequency in large population cohorts (gnomAD); In silico analysis supports that this variant has a deleterious effect on splicing; Has not been previously published as pathogenic or benign to our knowledge; This variant is associated with the following publications: (PMID: 23532176)

NM_000051.4(ATM):c.7559T>G (p.Met2520Arg)

Genes: ATM (ATM serine/threonine kinase; plus strand), C11orf65 (chromosome 11 open reading frame 65; minus strand). Cytogenetic location: 11q22.3.
Variant type: single nucleotide variant.
Coding change: c.7559T>G on transcript NM_000051.4 (MANE Select); coding-DNA position 7559, T replaced by G.
Protein change: p.Met2520Arg; replaces methionine 2520 with arginine.
Molecular consequence: missense variant. On other transcripts: non-coding transcript variant (1), intron variant (2).
Genome position (GRCh38, 1-based): chr11:108,331,487, T>G. VCF-style: chr11-108331487-T-G. GRCh37 (hg19) VCF-style: chr11-108202214-T-G.
Other names: c.7559T>G, p.Met2520Arg (NM_001351834.2); c.641-22416A>C (NM_001330368.2); c.*38+3733A>C (NM_001351110.2); short protein forms M2520R.
Identifiers: ClinVar variation 142749 (VCV000142749.19), dbSNP rs587782692, ClinGen allele CA169309.